The following is an entry in ClinVar:

NM_017617.5(NOTCH1):c.2351G>C (p.Ser784Thr)

Gene: NOTCH1 (notch receptor 1; minus strand). Cytogenetic location: 9q34.3.
Variant type: single nucleotide variant.
Coding change: c.2351G>C on transcript NM_017617.5 (MANE Select); coding-DNA position 2351, G replaced by C.
Protein change: p.Ser784Thr; replaces serine 784 with threonine.
Molecular consequence: missense variant.
Genome position (GRCh38, 1-based): chr9:136,513,394, C>G on the plus strand (G>C on the coding strand, the complement: NOTCH1 is on the minus strand). VCF-style: chr9-136513394-C-G. GRCh37 (hg19) VCF-style: chr9-139407846-C-G.
Other names: short protein forms S784T.
Identifiers: ClinVar variation 1790022 (VCV001790022.7), dbSNP rs2133358546, ClinGen allele CA375556863.

ClinVar aggregate classification (germline): Uncertain significance. Review status: criteria provided, multiple submitters, no conflicts (2 of 4 stars). 2 submissions from 2 submitters: Uncertain significance (2). Last evaluated 2021-12-13.

Conditions:
Adams-Oliver syndrome 5 (AOS5). Identifiers: Orphanet 974, MedGen C4014970, MONDO:0014459, OMIM 616028.
Familial thoracic aortic aneurysm and aortic dissection (TAAD). Also called: Thoracic aortic aneurysms and dissections. Identifiers: Orphanet 91387, MedGen C4707243, MONDO:0019625.

Submissions (2):

Labcorp Genetics (formerly Invitae), Labcorp
Classification: Uncertain significance for Adams-Oliver syndrome 5. Last evaluated: 2021-12-13. Review status: criteria provided, single submitter. Criteria: Invitae Variant Classification Sherloc (09022015). Collection method: clinical testing. Allele origin: germline.
Comment: This variant has not been reported in the literature in individuals affected with NOTCH1-related conditions. In summary, the available evidence is currently insufficient to determine the role of this variant in disease. Therefore, it has been classified as a Variant of Uncertain Significance. Algorithms developed to predict the effect of missense changes on protein structure and function (SIFT, PolyPhen-2, Align-GVGD) all suggest that this variant is likely to be tolerated. This variant is not present in population databases (gnomAD no frequency). This sequence change replaces serine, which is neutral and polar, with threonine, which is neutral and polar, at codon 784 of the NOTCH1 protein (p.Ser784Thr).

Ambry Genetics
Classification: Uncertain significance for Familial thoracic aortic aneurysm and aortic dissection. Last evaluated: 2021-07-22. Review status: criteria provided, single submitter. Criteria: Ambry Variant Classification Scheme 2023. Collection method: clinical testing. Allele origin: germline.
Comment: The p.S784T variant (also known as c.2351G>C), located in coding exon 14 of the NOTCH1 gene, results from a G to C substitution at nucleotide position 2351. The serine at codon 784 is replaced by threonine, an amino acid with similar properties. This amino acid position is conserved. In addition, this alteration is predicted to be tolerated by in silico analysis. Since supporting evidence is limited at this time, the clinical significance of this alteration remains unclear.